The following is an entry in ClinVar:

NM_001371596.2(MFSD8):c.1388G>A (p.Gly463Glu)

Gene: MFSD8 (major facilitator superfamily domain containing 8; minus strand). Cytogenetic location: 4q28.2.
Variant type: single nucleotide variant.
Coding change: c.1388G>A on transcript NM_001371596.2 (MANE Select); coding-DNA position 1388, G replaced by A.
Protein change: p.Gly463Glu; replaces glycine 463 with glutamic acid.
Molecular consequence: missense variant. On other transcripts: 3 prime UTR variant (1).
Genome position (GRCh38, 1-based): chr4:127,920,799, C>T on the plus strand (G>A on the coding strand, the complement: MFSD8 is on the minus strand). VCF-style: chr4-127920799-C-T. GRCh37 (hg19) VCF-style: chr4-128841954-C-T.
Other names: c.1187G>A, p.Gly396Glu (NM_001363520.3); c.1073G>A, p.Gly358Glu (NM_001363521.3); c.1253G>A, p.Gly418Glu (NM_001371590.2); c.1397G>A, p.Gly466Glu (NM_001371591.2); c.1394G>A, p.Gly465Glu (NM_001371592.2); c.1274G>A, p.Gly425Glu (NM_001371593.2); c.1241G>A, p.Gly414Glu (NM_001371594.2); c.1106G>A, p.Gly369Glu (NM_001371595.1); and 3 more; short protein forms G313E, G358E, G369E, G396E, G414E, G418E, G425E, G463E.
Identifiers: ClinVar variation 3605740 (VCV003605740.3).

ClinVar aggregate classification (germline): Uncertain significance. Review status: criteria provided, multiple submitters, no conflicts (2 of 4 stars). 2 submissions from 2 submitters: Uncertain significance (2). Last evaluated 2024-03-08.

Conditions:
Neuronal ceroid lipofuscinosis 7 (CLN7). Also called: MFSD8-Related Neuronal Ceroid-Lipofuscinosis. Identifiers: Orphanet 168491, Orphanet 228366, MedGen C1838571, MONDO:0012588, OMIM 610951.

gnomAD v4.1: 2 of 1,614,020 alleles (0.00012%); highest among the groups gnomAD compares: South Asian, 0.0022%; no homozygotes.

Submissions (2):

Labcorp Genetics (formerly Invitae), Labcorp
Classification: Uncertain significance for Neuronal ceroid lipofuscinosis 7. Last evaluated: 2024-03-08. Review status: criteria provided, single submitter. Criteria: Invitae Variant Classification Sherloc (09022015). Collection method: clinical testing. Allele origin: germline.
Comment: This sequence change replaces glycine, which is neutral and non-polar, with glutamic acid, which is acidic and polar, at codon 463 of the MFSD8 protein (p.Gly463Glu). This variant is not present in population databases (gnomAD no frequency). This variant has not been reported in the literature in individuals affected with MFSD8-related conditions. Advanced modeling of protein sequence and biophysical properties (such as structural, functional, and spatial information, amino acid conservation, physicochemical variation, residue mobility, and thermodynamic stability) performed at Invitae indicates that this missense variant is expected to disrupt MFSD8 protein function with a positive predictive value of 80%. In summary, the available evidence is currently insufficient to determine the role of this variant in disease. Therefore, it has been classified as a Variant of Uncertain Significance.

Blueprint Genetics
Classification: Uncertain significance. Last evaluated: 2018-06-16. Review status: criteria provided, single submitter. Criteria: ACMG Guidelines, 2015. Collection method: clinical testing. Allele origin: germline.